The following is an entry in ClinVar:

ClinVar aggregate classification (germline): Benign/Likely benign. Review status: criteria provided, multiple submitters, no conflicts (2 of 4 stars). 3 submissions from 3 submitters: Benign (1); Likely benign (1). 1 of the submissions does not count toward it. Last evaluated 2025-02-16.

Conditions:
Leber optic atrophy (LHON). Also called: Leber's disease; Leber's optic atrophy; Leber hereditary optic neuropathy; Optic Atrophy, Hereditary, Leber. Identifiers: Orphanet 104, MedGen C0917796, MONDO:0010788, OMIM 535000, HP:0001112.
Leigh syndrome (NULS). Also called: LEIGH SYNDROME, NUCLEAR; Leigh's syndrome; Subacute necrotizing encephalopathy; Necrotizing encephalopathy infantile subacute of Leigh; Leigh Disease; Leigh Syndrome (mtDNA deletion). Identifiers: Orphanet 506, MedGen C2931891, MONDO:0009723, OMIM 256000.

Submissions (3):

Laboratory of Genetics, Children's Clinical University Hospital Latvia
Classification: Likely benign. Last evaluated: 2025-02-16. Review status: criteria provided, single submitter. Criteria: ACMG Guidelines, 2015. Collection method: clinical testing. Allele origin: germline. Affected: yes.

Wong Mito Lab, Molecular and Human Genetics, Baylor College of Medicine
Classification: Benign for Leigh syndrome. Last evaluated: 2019-10-17. Review status: criteria provided, single submitter. Criteria: Modified ACMG Guidelines (Unpublished). Collection method: clinical testing. Allele origin: germline.
Comment: The NC_012920.1:m.11253T>C (YP_003024035.1:p.Ile165Thr) variant in MTND4 gene is interpretated to be a Benign variant based on the modified ACMG guidelines (unpublished). This variant meets the following evidence codes: BA1

GeneReviews
No classification provided. Condition: Leber optic atrophy. Review status: no classification provided. Collection method: literature only. Allele origin: maternal. Not counted in ClinVar's aggregate classification.

Literature cited by the submitters: PubMed 30143805 (cited by GeneReviews); PubMed 20301353 (cited by GeneReviews).

NC_012920.1(MT-ND4):m.11253T>C

Gene: MT-ND4 (mitochondrially encoded NADH dehydrogenase 4; plus strand).
Variant type: single nucleotide variant.
Genome position: chrM-11253-T-C.
Identifiers: ClinVar variation 65509 (VCV000065509.5), dbSNP rs200145866, ClinGen allele CA344820.